The following is an entry in ClinVar:

NM_006736.6(DNAJB2):c.658C>A (p.Arg220Ser)

Gene: DNAJB2 (DnaJ heat shock protein family (Hsp40) member B2; plus strand). Cytogenetic location: 2q35.
Variant type: single nucleotide variant.
Coding change: c.658C>A on transcript NM_006736.6 (MANE Select); coding-DNA position 658, C replaced by A.
Protein change: p.Arg220Ser; replaces arginine 220 with serine.
Molecular consequence: missense variant.
Genome position (GRCh38, 1-based): chr2:219,284,670, C>A. VCF-style: chr2-219284670-C-A. GRCh37 (hg19) VCF-style: chr2-220149392-C-A.
Other names: c.658C>A, p.Arg220Ser (NM_001039550.2); short protein forms R220S.
Identifiers: ClinVar variation 972639 (VCV000972639.8), dbSNP rs373611775, ClinGen allele CA350651505.
Genomic context (GRCh38, chr2:219,284,670, plus strand): 5'-ATGGTGGCTGTGACTCTTGCAGGTGTCCCAGATGACCTGGCACTGGGCTTGGAGCTGAGC[C>A]GTCGCGAGCAGCAGCCGTCAGTCACTTCCAGGTCTGGGGGCACTCAGGTCCAGCAGACCC-3'
Protein context (NP_006727.2, residues 210-230): DDLALGLELS[Arg220Ser]REQQPSVTSR

ClinVar aggregate classification (germline): Uncertain significance (1 of 4 stars; one submission).

Conditions:
Neuronopathy, distal hereditary motor, autosomal recessive 5. Also called: Spinal muscular atrophy, distal, autosomal recessive, 5; Young adult-onset distal hereditary motor neuropathy; NEUROPATHY, DISTAL HEREDITARY MOTOR, AUTOSOMAL RECESSIVE 5. Identifiers: Orphanet 314485, Orphanet 443950, MedGen C4749918, MONDO:0013947, OMIM 614881.

gnomAD v4.1: 13 of 1,605,574 alleles (0.00081%); highest among the groups gnomAD compares: Middle Eastern, 0.019%; no homozygotes.

Submission:

Labcorp Genetics (formerly Invitae), Labcorp
Classification: Uncertain significance for Neuronopathy, distal hereditary motor, autosomal recessive 5. Last evaluated: 2021-04-26. Review status: criteria provided, single submitter. Criteria: Invitae Variant Classification Sherloc (09022015). Collection method: clinical testing. Allele origin: germline.
Comment: This sequence change replaces arginine with serine at codon 220 of the DNAJB2 protein (p.Arg220Ser). The arginine residue is moderately conserved and there is a moderate physicochemical difference between arginine and serine. In summary, the available evidence is currently insufficient to determine the role of this variant in disease. Therefore, it has been classified as a Variant of Uncertain Significance. Algorithms developed to predict the effect of missense changes on protein structure and function are either unavailable or do not agree on the potential impact of this missense change (SIFT: "Deleterious"; PolyPhen-2: "Possibly Damaging"; Align-GVGD: "Class C0"). This variant has not been reported in the literature in individuals with DNAJB2-related conditions. This variant is not present in population databases (ExAC no frequency).